The following is an entry in ClinVar:

ClinVar aggregate classification (germline): Pathogenic. Review status: criteria provided, multiple submitters, no conflicts (2 of 4 stars). 8 submissions from 8 submitters: Pathogenic (7). 1 of the submissions does not count toward it. Last evaluated 2026-06-23.

Conditions:
FGFR3-related chondrodysplasia. Identifiers: Orphanet 93420, MedGen C5681604, MONDO:0019685.
FGFR3-related disorder. Also called: FGFR3-related disorders.
Connective tissue disorder. Also called: Connective tissue disease. Identifiers: MedGen C0009782, MONDO:0003900.
Thanatophoric dysplasia type 1 (TD1). Also called: Thanatophoric Dysplasia Type 1 (TD Type 1); PLATYSPONDYLIC LETHAL SKELETAL DYSPLASIA, SAN DIEGO TYPE; LETHAL SHORT-LIMBED PLATYSPONDYLIC DWARFISM, SAN DIEGO TYPE. Identifiers: Orphanet 1860, Orphanet 2655, MedGen C1868678, MONDO:0008546, OMIM 187600. Disease mechanism: gain of function.
Thanatophoric dysplasia, type 2 (TD2). Also called: Thanatophoric Dysplasia Type 2 (TD Type 2); CLOVERLEAF SKULL WITH THANATOPHORIC DWARFISM; THANATOPHORIC DYSPLASIA WITH KLEEBLATTSCHAEDEL; THANATOPHORIC DYSPLASIA WITH STRAIGHT FEMURS AND CLOVERLEAF SKULL. Identifiers: Orphanet 2655, Orphanet 93274, MedGen C1300257, MONDO:0008547, OMIM 187601. Disease mechanism: gain of function.

Submissions (8):

Genomenon, Inc
Classification: Pathogenic for FGFR3-related chondrodysplasia. Last evaluated: 2026-06-23. Review status: criteria provided, single submitter. Criteria: Genomenon Sequence Variant Interpretation Standards - Updated. Collection method: curation. Allele origin: germline. Affected: yes.
Comment: FGFR3 p.Ter807SerextTer101 (c.2420G>C) is a stop-loss variant that results in a C-terminal protein extension. This variant has been observed in at least one proband with an FGFR3-related disorder (PMID:37875969;31299979;29593476;18923003;24863959;25614871). A de novo occurrence of this variant has been observed in at least one affected individual (PMID:37875969;31299979). Functional studies have been reported (PMID:17507011). It is absent or not present at a significant frequency in gnomAD. Other cDNA changes resulting in a similar C-terminal extension have been determined to be pathogenic. In conclusion, we classify FGFR3 p.Ter807SerextTer101 (c.2420G>C) as a pathogenic variant.

GeneDx
Classification: Pathogenic. Last evaluated: 2025-10-30. Review status: criteria provided, single submitter. Criteria: GeneDx Variant Classification Process June 2021. Collection method: clinical testing. Allele origin: germline. Affected: yes.
Comment: Identified in unrelated patients with thanatophoric dysplasia in published literature (PMID: 28254233, 29593476); Stop codon loss and change to a serine codon, leading to protein extension and the addition of 101 amino acids at the C-terminus in a gene for which protein extension is a known mechanism of disease; Several different variants resulting in similar protein extensions have been reported in the Human Gene Mutation Database associated with thanatophoric dysplasia (HGMD), and have apparently similar functional consequences on protein stability and/or processing (PMID: 17509076, 17320202); Not observed at significant frequency in large population cohorts (gnomAD); This variant is associated with the following publications: (PMID: 18923003, 17507011, 18328977, 25728633, 25614871, 30048571, 29593476, 37875969, 34358384, 28254233, 31299979, 17509076, 17320202)

Labcorp Genetics (formerly Invitae), Labcorp
Classification: Pathogenic. Last evaluated: 2022-11-01. Review status: criteria provided, single submitter. Criteria: Invitae Variant Classification Sherloc (09022015). Collection method: clinical testing. Allele origin: germline.
Comment: This sequence change disrupts the translational stop signal of the FGFR3 mRNA. It is expected to extend the length of the FGFR3 protein by 101 additional amino acid residues. For these reasons, this variant has been classified as Pathogenic. This variant results in an extension of the FGFR3 protein. Other variant(s) that result in a similarly extended protein product (p.*807Leuext*101) have been determined to be pathogenic (PMID: 33942288). This suggests that these extensions are likely to be disease-causing. ClinVar contains an entry for this variant (Variation ID: 994395). This variant is also known as c.2426G>C (p.X809S,101) or X807Ser or *807S. This protein extension has been observed in individual(s) with achrondoplasia and/or thanatophoric dysplasia type I (PMID: 29593476, 31299979). In at least one individual the variant was observed to be de novo. This variant is not present in population databases (gnomAD no frequency).

Genome Diagnostics Laboratory, The Hospital for Sick Children
Classification: Pathogenic for Connective tissue disorder. Last evaluated: 2021-06-01. Review status: criteria provided, single submitter. Criteria: ACMG Guidelines, 2015. Collection method: clinical testing. Allele origin: germline.

Blueprint Genetics
Classification: Pathogenic for FGFR3-related disorders. Last evaluated: 2020-06-03. Review status: criteria provided, single submitter. Criteria: ACMG Guidelines, 2015. Collection method: clinical testing. Allele origin: germline. Affected: yes. Observed: 2 variant alleles.

ARUP Laboratories, Molecular Genetics and Genomics, ARUP Laboratories
Classification: Pathogenic. Last evaluated: 2020-04-23. Review status: criteria provided, single submitter. Criteria: ARUP Molecular Germline Variant Investigation Process. Collection method: clinical testing. Allele origin: germline.
Comment: The FGFR3 c.2420G>C; p.Ter807SerextTer101 variant is reported in the literature in multiple individuals affected with thanatophoric dysplasia type I (TD1) or a related skeletal dysplasia (Gomes 2018, Liu 2019, Xue 2014). In at least one instance, the variant was not found in either parent of an affected individual, suggesting a de novo origin (Liu 2019). This variant is absent from general population databases (Exome Variant Server, Genome Aggregation Database), indicating it is not a common polymorphism. This variant causes loss of the canonical stop codon and extension of the protein by 101 amino acids. Other stop-loss variants in FGFR3 have been reported in individuals with TD1 or a related skeletal dysplasia and are considered disease-causing (Gomes 2018, Passos-Bueno 1999, Xue 2014). Based on available information, the p.Ter807SerextTer101 variant is considered to be pathogenic. References: Gomes MES et al. Novel and Recurrent Mutations in the FGFR3 Gene and Double Heterozygosity Cases in a Cohort of Brazilian Patients with Skeletal Dysplasia. Mol Syndromol. 2018 Feb;9(2):92-99. Liu Y et al. Prenatal diagnosis of fetal skeletal dysplasia using targeted next-generation sequencing: an analysis of 30 cases. Diagn Pathol. 2019 Jul 13;14(1):76. Passos-Bueno MR et al. Clinical spectrum of fibroblast growth factor receptor mutations. Hum Mutat. 1999;14(2):115-25. Xue Y et al. FGFR3 mutation frequency in 324 cases from the International Skeletal Dysplasia Registry. Mol Genet Genomic Med. 2014 Nov;2(6):497-503.

Juno Genomics, Hangzhou Juno Genomics, Inc
Classification: Pathogenic for Thanatophoric dysplasia type 1; Thanatophoric dysplasia, type 2. Review status: criteria provided, single submitter. Criteria: ACMG Guidelines, 2015. Collection method: clinical testing. Allele origin: germline. Affected: yes.
Comment: Absent from controls (or at extremely low frequency if recessive) in Genome Aggregation Database, Exome Sequencing Project, 1000 Genomes Project, or Exome Aggregation Consortium.;Protein length changes due to in-frame deletions/insertions in a non-repeat region or stop-loss variants.;The prevalence of the variant in affected individuals is significantly increased compared to the prevalence in controls.;Assumed de novo, but without confirmation of paternity and maternity.;Patient's phenotype or family history is highly specific for a disease with a single genetic etiology.

PreventionGenetics, part of Exact Sciences
Classification: Pathogenic for FGFR3-related condition. Last evaluated: 2024-09-09. Review status: no assertion criteria provided. Collection method: clinical testing. Allele origin: germline. Not counted in ClinVar's aggregate classification.
Comment: The FGFR3 c.2420G>C variant is predicted to result in extension of the open reading frame (p.*807Serext*101). This variant has been reported to be causative for thanatophoric dysplasia (reported as Term807Ser in Figure 5, Baujat et al. 2008. PubMed ID: 18328977; reported as c.2426G>C, p.X809S,101 using NM_001163213.1, Liu et al. 2019. PubMed ID: 31299979). In addition, other variants affecting the same codon (*807) have been reported as causative for thanatophoric dysplasia (Rousseau et al. 1995. PubMed ID: 7647778; Passos-Bueno et al. 1999. PubMed ID: 10425034; Baujat et al. 2008. PubMed ID: 18328977; Foldynova-Trantirkova et al. 2012. PubMed ID: 22045636; Xue et al. 2014. PubMed ID: 25614871). In summary, we interpret this variant as pathogenic.

Literature cited by the submitters: PubMed 17320202 (cited by Genomenon, Inc); PubMed 17507011 (cited by Genomenon, Inc); PubMed 10 (cited by Genomenon, Inc); PubMed 17509076 (cited by Genomenon, Inc); PubMed 37875969 (cited by Genomenon, Inc); PubMed 34367232 (cited by Genomenon, Inc); PubMed 33942288 (cited by Genomenon, Inc and Labcorp Genetics (formerly Invitae), Labcorp); PubMed 31476288 (cited by Genomenon, Inc); PubMed 31299979 (cited by Genomenon, Inc and Labcorp Genetics (formerly Invitae), Labcorp); PubMed 21671381 (cited by Genomenon, Inc); PubMed 30692697 (cited by Genomenon, Inc); PubMed 29593476 (cited by Genomenon, Inc and Labcorp Genetics (formerly Invitae), Labcorp); PubMed 28254233 (cited by Genomenon, Inc); PubMed 8723101 (cited by Genomenon, Inc); PubMed 12210587 (cited by Genomenon, Inc); PubMed 12368206 (cited by Genomenon, Inc); PubMed 18923003 (cited by Genomenon, Inc); PubMed 19215249 (cited by Genomenon, Inc); PubMed 24863959 (cited by Genomenon, Inc); PubMed 25614871 (cited by Genomenon, Inc); PubMed 39357670 (cited by Genomenon, Inc); PubMed 25728633 (cited by Genomenon, Inc); PubMed 8845844 (cited by Genomenon, Inc); PubMed 30048571 (cited by Genomenon, Inc); PubMed 29542187 (cited by Genomenon, Inc); PubMed 16841094 (cited by Genomenon, Inc); PubMed 35793999 (cited by Genomenon, Inc); PubMed 34582081 (cited by Genomenon, Inc); PubMed 29068064 (cited by Genomenon, Inc); PubMed 9154000 (cited by Genomenon, Inc); PubMed 26003532 (cited by Genomenon, Inc); PubMed 27987249 (cited by Genomenon, Inc); PubMed 28249712 (cited by Genomenon, Inc); PubMed 9229114 (cited by Genomenon, Inc); PubMed 9076574 (cited by Genomenon, Inc); PubMed 19293680 (cited by Genomenon, Inc); PubMed 7573032 (cited by Genomenon, Inc); PubMed 14745970 (cited by Genomenon, Inc); PubMed 15769677 (cited by Genomenon, Inc); PubMed 9055906 (cited by Genomenon, Inc); PubMed 10425034 (cited by Genomenon, Inc); PubMed 10696568 (cited by Genomenon, Inc); PubMed 11181569 (cited by Genomenon, Inc); PubMed 11241532 (cited by Genomenon, Inc); PubMed 12357475 (cited by Genomenon, Inc); PubMed 17630040 (cited by Genomenon, Inc); PubMed 19066716 (cited by Genomenon, Inc); PubMed 19449430 (cited by Genomenon, Inc); PubMed 19752524 (cited by Genomenon, Inc); PubMed 22414243 (cited by Genomenon, Inc); PubMed 24075385 (cited by Genomenon, Inc); PubMed 25671245 (cited by Genomenon, Inc); PubMed 25800480 (cited by Genomenon, Inc); PubMed 14534538 (cited by Genomenon, Inc); PubMed 17103447 (cited by Genomenon, Inc); PubMed 9133360 (cited by Genomenon, Inc); PubMed 26224133 (cited by Genomenon, Inc); PubMed 22045636 (cited by Genomenon, Inc); PubMed 7647778 (cited by Genomenon, Inc).

NM_000142.5(FGFR3):c.2420G>C (p.Ter807Ser)

Gene: FGFR3 (fibroblast growth factor receptor 3; plus strand). Cytogenetic location: 4p16.3.
Variant type: single nucleotide variant.
Coding change: c.2420G>C on transcript NM_000142.5 (MANE Select); coding-DNA position 2420, G replaced by C.
Protein change: p.Ter807Ser.
Molecular consequence: stop lost. On other transcripts: synonymous variant (1), non-coding transcript variant (1).
Genome position (GRCh38, 1-based): chr4:1,807,261, G>C. VCF-style: chr4-1807261-G-C. GRCh37 (hg19) VCF-style: chr4-1808988-G-C.
Other names: c.2426G>C, p.Ter809Ser (NM_001163213.2); c.2423G>C, p.Ter808Ser (NM_001354809.2); c.2352G>C, p.Val784= (NM_001354810.2); c.2084G>C, p.Ter695Ser (NM_022965.4).
Identifiers: ClinVar variation 994395 (VCV000994395.25), dbSNP rs397515514, ClinGen allele CA355987995.